The following is an entry in ClinVar:

NM_080680.3(COL11A2):c.3150+1G>A

Gene: COL11A2 (collagen type XI alpha 2 chain; minus strand). Cytogenetic location: 6p21.32.
Variant type: single nucleotide variant.
Coding change: c.3150+1G>A on transcript NM_080680.3 (MANE Select); the canonical splice donor site of the intron after coding-DNA position 3150, G replaced by A.
Molecular consequence: splice donor variant.
Genome position (GRCh38, 1-based): chr6:33,171,712, C>T on the plus strand (G>A on the coding strand, the complement: COL11A2 is on the minus strand). VCF-style: chr6-33171712-C-T. GRCh37 (hg19) VCF-style: chr6-33139489-C-T.
Other names: c.2124+1G>A (NM_001424111.1, NM_001424110.1); c.2829+1G>A (NM_080679.3); c.2892+1G>A (NM_080681.3); c.2970+1G>A (NM_001424108.1); c.2304+1G>A (NM_001424109.1); c.1104+1G>A (NM_001424112.1).
Identifiers: ClinVar variation 4728589 (VCV004728589.1).

ClinVar aggregate classification (germline): Likely pathogenic (1 of 4 stars; one submission).

gnomAD v4.1: 1 of 1,612,752 alleles (0.000062%); highest among the groups gnomAD compares: Non-Finnish European, 0.000085%; no homozygotes.

Submission:

Labcorp Genetics (formerly Invitae), Labcorp
Classification: Likely pathogenic. Last evaluated: 2025-10-06. Review status: criteria provided, single submitter. Criteria: Invitae Variant Classification Sherloc (09022015). Collection method: clinical testing. Allele origin: germline.
Comment: This sequence change affects a donor splice site in intron 42 of the COL11A2 gene. It is expected to disrupt RNA splicing. Variants that disrupt the donor or acceptor splice site typically lead to a loss of protein function (PMID: 16199547), and loss-of-function variants in COL11A2 are known to be pathogenic (PMID: 10677296, 21204229). This variant is not present in population databases (gnomAD no frequency). This variant has not been reported in the literature in individuals affected with COL11A2-related conditions. Algorithms developed to predict the effect of sequence changes on RNA splicing suggest that this variant may disrupt the consensus splice site. In summary, the currently available evidence indicates that the variant is pathogenic, but additional data are needed to prove that conclusively. Therefore, this variant has been classified as Likely Pathogenic.

Literature cited by the submitters: PubMed 16199547; PubMed 10677296; PubMed 21204229.